The following is an entry in ClinVar:

ClinVar aggregate classification (germline): Conflicting classifications of pathogenicity. Review status: criteria provided, conflicting classifications (1 of 4 stars). 17 submissions from 17 submitters: Pathogenic (5); Likely pathogenic (9); Uncertain significance (3). Last evaluated 2026-04-01.

Conditions:
DSG2-related disorders.
Cardiovascular phenotype. Identifiers: MedGen CN230736.
Familial isolated arrhythmogenic right ventricular dysplasia. Identifiers: Orphanet 217656, MedGen C4274968, MONDO:0016342.
Arrhythmogenic right ventricular dysplasia 10. Also called: Arrhythmogenic Right Ventricular Dysplasia/Cardiomyopathy10; ARRHYTHMOGENIC RIGHT VENTRICULAR DYSPLASIA, FAMILIAL, 10; Arrhythmogenic right ventricular dysplasia/cardiomyopathy, type 10. Identifiers: MedGen C1857777, MONDO:0012434, OMIM 610193.
Dilated cardiomyopathy 1BB (CMD1BB). Also called: CARDIOMYOPATHY, DILATED, 1BB, SUSCEPTIBILITY TO. Identifiers: Orphanet 154, MedGen C2752072, MONDO:0013030, OMIM 612877.
Cardiomyopathy (CMYO). Also called: Cardiomyopathies. Identifiers: Orphanet 167848, MedGen C0878544, MONDO:0004994, HP:0001638. Inheritance: Various modes of inheritance.
Arrhythmogenic right ventricular cardiomyopathy (ARVD). Also called: Arrhythmogenic right ventricular dysplasia; Cardiomyopathy, ARVC; Arrhythmogenic cardiomyopathy; Arrhythmogenic Right Ventricular Cardiomyopathy (ARVC). Identifiers: Orphanet 247, MedGen C0349788, MeSH D019571, MONDO:0016587. Disease mechanism: loss of function. Inheritance: Various modes of inheritance.

Submissions 1 to 7 of 17:

CeGaT Center for Human Genetics Tuebingen
Classification: Likely pathogenic. Last evaluated: 2026-04-01. Review status: criteria provided, single submitter. Criteria: CeGaT Center For Human Genetics Tuebingen Variant Classification Criteria Version 2. Collection method: clinical testing. Allele origin: germline. Affected: yes. Observed: 1 variant allele.
Comment: DSG2: PS4, PVS1:Moderate, PM2:Supporting

Women's Health and Genetics/Laboratory Corporation of America, LabCorp
Classification: Pathogenic for Familial isolated arrhythmogenic right ventricular dysplasia. Last evaluated: 2026-02-04. Review status: criteria provided, single submitter. Criteria: LabCorp Variant Classification Summary - May 2015. Collection method: clinical testing. Allele origin: germline.
Comment: Variant summary: DSG2 c.3059_3062delAGAG (p.Glu1020AlafsX18) results in a premature termination codon in the last exon, predicted to cause a truncation of the encoded protein. However, nonsense mediated decay is not expected to occur. The variant allele was found at a frequency of 3.6e-05 in 249404 control chromosomes. c.3059_3062delAGAG has been observed in individuals affected with Arrhythmogenic Right Ventricular Dysplasia/Cardiomyopathy (Christensen_2010, Lahtinen_2011, Rasmussen_2013, Lao_2021). These data indicate that the variant is very likely to be associated with disease. To our knowledge, no experimental evidence demonstrating an impact on protein function has been reported. The following publications have been ascertained in the context of this evaluation (PMID: 20864495, 21397041, 34263121, 23381804). ClinVar contains an entry for this variant (Variation ID: 199827). Based on the evidence outlined above, the variant was classified as pathogenic.

Labcorp Genetics (formerly Invitae), Labcorp
Classification: Pathogenic for Arrhythmogenic right ventricular dysplasia 10. Last evaluated: 2025-09-27. Review status: criteria provided, single submitter. Criteria: Invitae Variant Classification Sherloc (09022015). Collection method: clinical testing. Allele origin: germline.
Comment: This sequence change creates a premature translational stop signal (p.Glu1020Alafs*18) in the DSG2 gene. While this is not anticipated to result in nonsense mediated decay, it is expected to disrupt the last 99 amino acid(s) of the DSG2 protein. This variant is present in population databases (rs746854378, gnomAD 0.009%). This premature translational stop signal has been observed in individuals with arrhythmogenic right ventricular cardiomyopathy (PMID: 20864495, 21397041, 23381804). It has also been observed to segregate with disease in related individuals. ClinVar contains an entry for this variant (Variation ID: 199827). This variant disrupts a region of the DSG2 protein in which other variant(s) (p.Glu1083Ser) have been observed in individuals with DSG2-related conditions (PMID: 21636032). This suggests that this is a clinically significant region of the protein, and that variants that disrupt it are likely to be disease-causing. For these reasons, this variant has been classified as Pathogenic.

Dasa
Classification: Likely pathogenic for Arrhythmogenic right ventricular dysplasia 10. Last evaluated: 2025-07-01. Review status: criteria provided, single submitter. Criteria: DASA Assertion Criteria. Collection method: clinical testing. Allele origin: germline.
Comment: NM_001943.5(DSG2):c.3059_3062del (p.Glu1020Alafs*18) is a frameshift variant in DSG2 predicted to alter the reading frame and introduce a premature termination codon and is predicted to result in an absent or altered protein product. Loss of function is an established disease mechanism for DSG2-associated disorders. This variant has been recurrently observed in individuals with DSG2-related disorders (PMID: 20864495; PMID: 21397041; PMID: 23381804; PMID: 29790872; PMID: 34263121). Also, this variant is rare in population databases. Based on the currently available evidence, this variant is classified as likely pathogenic.

Ambry Genetics
Classification: Likely pathogenic for Cardiovascular phenotype. Last evaluated: 2025-06-25. Review status: criteria provided, single submitter. Criteria: Ambry Variant Classification Scheme 2023. Collection method: clinical testing. Allele origin: germline.
Comment: The c.3059_3062delAGAG (p.E1020Afs*18) alteration, located in exon 15 (coding exon 15) of the DSG2 gene, consists of a deletion of 4 nucleotides from position 3059 to 3062, causing a translational frameshift with a predicted alternate stop codon after 18 amino acids. This alteration occurs at the 3' terminus of theDSG2 gene, is not expected to trigger nonsense-mediated mRNA decay, and impacts the last 99 amino acids (8.9%) of the protein. Premature stop codons are typically deleterious in nature and a significant portion of the protein is affected (Ambry internal data). Based on data from gnomAD, this allele has an overall frequency of 0.004% (9/249404) total alleles studied. The highest observed frequency was 0.009% (2/21550) of European (Finnish) alleles. This variant has been described in patients with arrhythmogenic right ventricular cardiomyopathy (ARVC) or features consistent with ARVC and an individual described as having left-dominant arrhythmogenic cardiomyopathy (Christensen, 2010; Lahtinen, 2011; Rasmussen, 2013; van Lint, 2019; Lao, 2021; External communication). This variant was observed to co-segregate with ARVC in three siblings in one family; however, two relatives with this variant exhibited either absent or limited phenotype, suggesting reduced penetrance (Lahtinen, 2011). This variant has also been detected in cohorts and individuals without known ARVC; however, clinical details were limited (Abicht, 2021; Lacaze, 2021; External communication). Based on the available evidence, this alteration is classified as likely pathogenic.

Color Diagnostics, LLC DBA Color Health
Classification: Uncertain significance for Cardiomyopathy. Last evaluated: 2025-02-10. Review status: criteria provided, single submitter. Criteria: ACMG Guidelines, 2015. Collection method: clinical testing. Allele origin: germline.
Comment: This variant deletes 4 nucleotides in exon 15 of the DSG2 gene, creating a frameshift and premature truncation in the last exon. The mutant transcript is expected to escape nonsense-mediated decay and be expressed as a protein product containing altered C-terminal sequence. To our knowledge, functional studies have not been reported for this variant. This variant has been identified in eight unrelated individuals affected with arrhythmogenic cardiomyopathy (PMID: 21397041, 20864495, 23381804, 33821670, 34263121, 36431211) and has been reported to segregate with disease in one of the families (PMID: 21397041). This variant has also been observed in individuals affected with conduction defect (PMID: 21397041), hypertrophic cardiomyopathy (PMID: 34500006), or dilated cardiomyopathy (PMID: 36129056), and in unaffected family members (PMID 21397041) as well as in individuals without history of cardiovascular events (PMID: 33968641, 34135346). This variant has been reported in compound heterozygous state with another DSG2 variant in three individual affected with arrhythmogenic cardiomyopathy (PMID: 37418234). However, this variant has also been identified in 33/1180006 (0.0028%) non-Finnish European chromosomes in the general population by the Genome Aggregation Database (gnomAD v4). In summary, this variant is of unknown functional consequence and has been observed in both affected individuals and in the general population. The available evidence is insufficient to determine the role of this variant in disease conclusively. Therefore, this variant is classified as a Variant of Uncertain Significance.

Clinical Genetics Laboratory, Skane University Hospital Lund
Classification: Likely pathogenic for Arrhythmogenic right ventricular cardiomyopathy. Last evaluated: 2024-09-12. Review status: criteria provided, single submitter. Criteria: ACMG Guidelines, 2015. Collection method: clinical testing. Allele origin: germline. Affected: yes.
Comment: ACMG criteria used: PVS1_Moderate, PS4, PM2

NM_001943.5(DSG2):c.3059_3062del (p.Glu1020fs)

Genes: DSG2-AS1 (DSG2 antisense RNA 1; minus strand), DSG2 (desmoglein 2; plus strand). Cytogenetic location: 18q12.1.
Variant type: Microsatellite.
Coding change: c.3059_3062del on transcript NM_001943.5 (MANE Select); coding-DNA positions 3059 to 3062, 4 bases deleted (AGAG; older notation c.3059_3062delAGAG).
Protein change: p.Glu1020fs; shifts the reading frame from glutamic acid 1020.
Molecular consequence: frameshift variant.
Genome position (GRCh38, 1-based): chr18:31,546,445-31,546,448, AGAG deleted; deleting any 4 consecutive bases within chr18:31,546,441-31,546,448 gives the same sequence; the c. name uses the placement nearest the transcript's 3' end. VCF-style (leftmost placement, unchanged base first): chr18-31546440-AAGAG-A. GRCh37 (hg19) VCF-style: chr18-29126403-AAGAG-A.
Other names: c.3059_3062del (NM_001943.3); c.3055_3058del (LRG_397t1, LRG_397t1); c.3059_3062delAGAG (NM_001943.5); short protein forms E1020fs.
Identifiers: ClinVar variation 199827 (VCV000199827.41), dbSNP rs397516706, ClinGen allele CA021962.